The following is an entry in ClinVar:

ClinVar aggregate classification (germline): Uncertain significance. Review status: criteria provided, multiple submitters, no conflicts (2 of 4 stars). 2 submissions from 2 submitters: Uncertain significance (2). Last evaluated 2024-12-25.

Conditions:
Inborn genetic diseases. Identifiers: MedGen C0950123, MeSH D030342.
COG7 congenital disorder of glycosylation (CDG2E). Also called: CONGENITAL DISORDER OF GLYCOSYLATION, TYPE IIe; CDG IIe. Identifiers: Orphanet 79333, MedGen C2931010, MONDO:0012118, OMIM 608779.

Allele frequency attached by ClinVar (database versions not stated): gnomAD 0.00001; TOPMed 0.00001.
gnomAD v4.1: 1 of 1,612,444 alleles (0.000062%); highest among the groups gnomAD compares: Admixed American, 0.0017%; no homozygotes.

Submissions (2):

Ambry Genetics
Classification: Uncertain significance for Inborn genetic diseases. Last evaluated: 2024-12-25. Review status: criteria provided, single submitter. Criteria: Ambry Variant Classification Scheme 2023. Collection method: clinical testing. Allele origin: germline.

Labcorp Genetics (formerly Invitae), Labcorp
Classification: Uncertain significance for COG7 congenital disorder of glycosylation. Last evaluated: 2020-09-24. Review status: criteria provided, single submitter. Criteria: Invitae Variant Classification Sherloc (09022015). Collection method: clinical testing. Allele origin: germline.
Comment: This variant has not been reported in the literature in individuals with COG7-related conditions. This variant is not present in population databases (ExAC no frequency). This sequence change replaces leucine with isoleucine at codon 553 of the COG7 protein (p.Leu553Ile). The leucine residue is highly conserved and there is a small physicochemical difference between leucine and isoleucine. Algorithms developed to predict the effect of missense changes on protein structure and function are either unavailable or do not agree on the potential impact of this missense change (SIFT: "Tolerated"; PolyPhen-2: "Possibly Damaging"; Align-GVGD: "Class C0"). In summary, the available evidence is currently insufficient to determine the role of this variant in disease. Therefore, it has been classified as a Variant of Uncertain Significance.

NM_153603.4(COG7):c.1657C>A (p.Leu553Ile)

Gene: COG7 (component of oligomeric golgi complex 7; minus strand). Cytogenetic location: 16p12.2.
Variant type: single nucleotide variant.
Coding change: c.1657C>A on transcript NM_153603.4 (MANE Select); coding-DNA position 1657, C replaced by A.
Protein change: p.Leu553Ile; replaces leucine 553 with isoleucine.
Molecular consequence: missense variant.
Genome position (GRCh38, 1-based): chr16:23,406,081, G>T on the plus strand (C>A on the coding strand, the complement: COG7 is on the minus strand). VCF-style: chr16-23406081-G-T. GRCh37 (hg19) VCF-style: chr16-23417402-G-T.
Other names: c.1657C>A (NM_153603.3); short protein forms L553I.
Identifiers: ClinVar variation 1002172 (VCV001002172.9), dbSNP rs1013455293, ClinGen allele CA395118450.
Genomic context (GRCh38, chr16:23,406,081, plus strand): 5'-GAGTGATGAGAAGAAGCCTTTCATTTGCAAGAATGCCATTCATTTGGTCTCATACCTTAA[G>T]GGTATAAAGTATTTCCATTAAACTGGCATATTCAGCAGGGTTATCTTTCTGGAGGTAATT-3'
Protein context (NP_705831.1, residues 543-563): YASLMEILYT[Leu553Ile]KEKGSSNHNL